The following is an entry in ClinVar:

NM_000426.4(LAMA2):c.4436+5G>T

Gene: LAMA2 (laminin subunit alpha 2; plus strand). Cytogenetic location: 6q22.33.
Variant type: single nucleotide variant.
Coding change: c.4436+5G>T on transcript NM_000426.4 (MANE Select); 5 bases into the intron after coding-DNA position 4436, G replaced by T.
Molecular consequence: intron variant.
Genome position (GRCh38, 1-based): chr6:129,342,472, G>T. VCF-style: chr6-129342472-G-T. GRCh37 (hg19) VCF-style: chr6-129663617-G-T.
Other names: c.4436+5G>T (NM_001079823.2).
Identifiers: ClinVar variation 392761 (VCV000392761.7), dbSNP rs1057524616, ClinGen allele CA16605021.

ClinVar aggregate classification (germline): Conflicting classifications of pathogenicity. Review status: criteria provided, conflicting classifications (1 of 4 stars). 2 submissions from 2 submitters: Likely pathogenic (1); Uncertain significance (1). Last evaluated 2022-05-18.

Conditions:
LAMA2-related muscular dystrophy (LAMA2-RD). Also called: Laminin alpha 2-related dystrophy. Identifiers: MedGen C5679788, MONDO:0100228.

Allele frequency attached by ClinVar (database versions not stated): gnomAD exomes below 0.00001.
gnomAD v4.1: 1 of 1,612,484 alleles (0.000062%); highest among the groups gnomAD compares: Admixed American, 0.0017%; no homozygotes.

Submissions (2):

Labcorp Genetics (formerly Invitae), Labcorp
Classification: Uncertain significance for LAMA2-related muscular dystrophy. Last evaluated: 2022-05-18. Review status: criteria provided, single submitter. Criteria: Invitae Variant Classification Sherloc (09022015). Collection method: clinical testing. Allele origin: germline.
Comment: In summary, the available evidence is currently insufficient to determine the role of this variant in disease. Therefore, it has been classified as a Variant of Uncertain Significance. Variants that disrupt the consensus splice site are a relatively common cause of aberrant splicing (PMID: 17576681, 9536098). Algorithms developed to predict the effect of sequence changes on RNA splicing suggest that this variant may disrupt the consensus splice site. ClinVar contains an entry for this variant (Variation ID: 392761). This variant has not been reported in the literature in individuals affected with LAMA2-related conditions. This variant is not present in population databases (gnomAD no frequency). This sequence change falls in intron 30 of the LAMA2 gene. It does not directly change the encoded amino acid sequence of the LAMA2 protein. It affects a nucleotide within the consensus splice site.

GeneDx
Classification: Likely pathogenic. Last evaluated: 2017-01-12. Review status: criteria provided, single submitter. Criteria: GeneDx Variant Classification (06012015). Collection method: clinical testing. Allele origin: germline. Affected: yes.
Comment: The c.4436+5 G>T variant has not been published as a pathogenic variant, nor has it been reported as a benign variant to our knowledge. The c.4436+5 G>T variant is not observed in large population cohorts (Lek et al., 2016; 1000 Genomes Consortium et al., 2015; Exome Variant Server). Several in-silico splice prediction models predict that c.4436+5 G>T may destroy the natural splice donor site in intron 30, which may lead to abnormal gene splicing. However, in the absence of RNA/functional studies, the actual effect of this sequence change in this individual is unknown. Therefore, this variant is likely pathogenic; however, the possibility that it is benign cannot be excluded.

Literature cited by the submitters: PubMed 17576681 (cited by Labcorp Genetics (formerly Invitae), Labcorp); PubMed 9536098 (cited by Labcorp Genetics (formerly Invitae), Labcorp).